The following is an entry in ClinVar:

ClinVar aggregate classification (germline): Uncertain significance. Review status: criteria provided, multiple submitters, no conflicts (2 of 4 stars). 2 submissions from 2 submitters: Uncertain significance (2). Last evaluated 2025-04-28.

Conditions:
DNAH1-related disorder. Also called: DNAH1-related condition.
Spermatogenic failure 18. Identifiers: MedGen C4539783, MONDO:0054615, OMIM 617576.
Ciliary dyskinesia, primary, 37 (CILD37). Also called: CILIARY DYSKINESIA, PRIMARY, 37, WITH OR WITHOUT SITUS INVERSUS. Identifiers: MedGen C4539798, MONDO:0033204, OMIM 617577.

Allele frequency attached by ClinVar (database versions not stated): gnomAD 0.00004 and 0.00006; gnomAD exomes 0.00004 and 0.00005; ExAC 0.00003; ESP Exome Variant Server 0.00016.
gnomAD v4.1: 90 of 1,613,514 alleles (0.0056%); highest among the groups gnomAD compares: Middle Eastern, 0.033%; no homozygotes.

Submissions (2):

Labcorp Genetics (formerly Invitae), Labcorp
Classification: Uncertain significance for Ciliary dyskinesia, primary, 37; Spermatogenic failure 18. Last evaluated: 2025-04-28. Review status: criteria provided, single submitter. Criteria: Invitae Variant Classification Sherloc (09022015). Collection method: clinical testing. Allele origin: germline.
Comment: This sequence change replaces serine, which is neutral and polar, with leucine, which is neutral and non-polar, at codon 3483 of the DNAH1 protein (p.Ser3483Leu). This variant is present in population databases (rs200066420, gnomAD 0.01%). This variant has not been reported in the literature in individuals affected with DNAH1-related conditions. ClinVar contains an entry for this variant (Variation ID: 1363923). Invitae Evidence Modeling of protein sequence and biophysical properties (such as structural, functional, and spatial information, amino acid conservation, physicochemical variation, residue mobility, and thermodynamic stability) indicates that this missense variant is not expected to disrupt DNAH1 protein function with a negative predictive value of 80%. In summary, the available evidence is currently insufficient to determine the role of this variant in disease. Therefore, it has been classified as a Variant of Uncertain Significance.

PreventionGenetics, part of Exact Sciences
Classification: Uncertain significance for DNAH1-related condition. Last evaluated: 2023-02-06. Review status: criteria provided, single submitter. Criteria: ACMG Guidelines, 2015. Collection method: clinical testing. Allele origin: germline.
Comment: The DNAH1 c.10448C>T variant is predicted to result in the amino acid substitution p.Ser3483Leu. To our knowledge, this variant has not been reported in the literature. This variant is reported in 0.013% of alleles in individuals of South Asian descent in gnomAD. At this time, the clinical significance of this variant is uncertain due to the absence of conclusive functional and genetic evidence.

NM_015512.5(DNAH1):c.10448C>T (p.Ser3483Leu)

Gene: DNAH1 (dynein axonemal heavy chain 1; plus strand). Cytogenetic location: 3p21.1.
Variant type: single nucleotide variant.
Coding change: c.10448C>T on transcript NM_015512.5 (MANE Select); coding-DNA position 10448, C replaced by T.
Protein change: p.Ser3483Leu; replaces serine 3483 with leucine.
Molecular consequence: missense variant.
Genome position (GRCh38, 1-based): chr3:52,392,999, C>T. VCF-style: chr3-52392999-C-T. GRCh37 (hg19) VCF-style: chr3-52427015-C-T.
Other names: c.10448C>T (NM_015512.4); short protein forms S3483L.
Identifiers: ClinVar variation 1363923 (VCV001363923.8), dbSNP rs200066420, ClinGen allele CA2435836.